The following is an entry in ClinVar:

ClinVar aggregate classification (germline): Uncertain significance (1 of 4 stars; one submission).

Conditions:
Cardiovascular phenotype. Identifiers: MedGen CN230736.

Submission:

Ambry Genetics
Classification: Uncertain significance for Cardiovascular phenotype. Last evaluated: 2025-05-30. Review status: criteria provided, single submitter. Criteria: Ambry Variant Classification Scheme 2023. Collection method: clinical testing. Allele origin: germline.
Comment: The p.L455M variant (also known as c.1363C>A), located in coding exon 9 of the PCSK9 gene, results from a C to A substitution at nucleotide position 1363. The leucine at codon 455 is replaced by methionine, an amino acid with highly similar properties. This amino acid position is conserved. In addition, this alteration is predicted to be tolerated by in silico analysis. Based on the available evidence, the clinical significance of this variant remains unclear.

NM_174936.4(PCSK9):c.1363C>A (p.Leu455Met)

Gene: PCSK9 (proprotein convertase subtilisin/kexin type 9; plus strand). Cytogenetic location: 1p32.3.
Variant type: single nucleotide variant.
Coding change: c.1363C>A on transcript NM_174936.4 (MANE Select); coding-DNA position 1363, C replaced by A.
Protein change: p.Leu455Met; replaces leucine 455 with methionine.
Molecular consequence: missense variant. On other transcripts: non-coding transcript variant (8), intron variant (1).
Genome position (GRCh38, 1-based): chr1:55,058,507, C>A. VCF-style: chr1-55058507-C-A. GRCh37 (hg19) VCF-style: chr1-55524180-C-A.
Other names: c.1486C>A, p.Leu496Met (NM_001407240.1); c.1363C>A, p.Leu455Met (NM_001407241.1); c.1366C>A, p.Leu456Met (NM_001407242.1); c.1306C>A, p.Leu436Met (NM_001407243.1); c.1189C>A, p.Leu397Met (NM_001407244.1); c.1171C>A, p.Leu391Met (NM_001407245.1); c.988C>A, p.Leu330Met (NM_001407246.1); c.1180+993C>A (NM_001407247.1); short protein forms L391M, L496M, L330M, L397M, L455M, L436M, L456M.
Identifiers: ClinVar variation 3929796 (VCV003929796.1).